The following is an entry in ClinVar:

ClinVar aggregate classification (germline): Uncertain significance (1 of 4 stars; one submission).

Conditions:
Muscle AMP deaminase deficiency (MMDD). Also called: Myoadenylate deaminase deficiency, myopathy due to; Adenosine monophosphate deaminase 1 deficiency; AMP deaminase 1 deficiency; Adenosine Monophosphate Deaminase 1; AMPD1 DEFICIENCY; ADENOSINE MONOPHOSPHATE DEAMINASE-1 DEFICIENCY, MYOPATHY DUE TO. Identifiers: Orphanet 45, MedGen C3714933, MONDO:0014220, OMIM 615511.

Allele frequency attached by ClinVar (database versions not stated): gnomAD exomes below 0.00001; gnomAD 0.00001.
gnomAD v4.1: 4 of 1,614,078 alleles (0.00025%); highest among the groups gnomAD compares: Non-Finnish European, 0.00034%; no homozygotes.

Submission:

Labcorp Genetics (formerly Invitae), Labcorp
Classification: Uncertain significance for Muscle AMP deaminase deficiency. Last evaluated: 2022-07-25. Review status: criteria provided, single submitter. Criteria: Invitae Variant Classification Sherloc (09022015). Collection method: clinical testing. Allele origin: germline.
Comment: In summary, the available evidence is currently insufficient to determine the role of this variant in disease. Therefore, it has been classified as a Variant of Uncertain Significance. Algorithms developed to predict the effect of missense changes on protein structure and function (SIFT, PolyPhen-2, Align-GVGD) all suggest that this variant is likely to be disruptive. ClinVar contains an entry for this variant (Variation ID: 1462039). This variant has not been reported in the literature in individuals affected with AMPD1-related conditions. This variant is not present in population databases (gnomAD no frequency). This sequence change replaces threonine, which is neutral and polar, with isoleucine, which is neutral and non-polar, at codon 523 of the AMPD1 protein (p.Thr523Ile).

NM_000036.3(AMPD1):c.1469C>T (p.Thr490Ile)

Gene: AMPD1 (adenosine monophosphate deaminase 1; minus strand). Cytogenetic location: 1p13.2.
Variant type: single nucleotide variant.
Coding change: c.1469C>T on transcript NM_000036.3 (MANE Select); coding-DNA position 1469, C replaced by T.
Protein change: p.Thr490Ile; replaces threonine 490 with isoleucine.
Molecular consequence: missense variant.
Genome position (GRCh38, 1-based): chr1:114,675,923, G>A on the plus strand (C>T on the coding strand, the complement: AMPD1 is on the minus strand). VCF-style: chr1-114675923-G-A. GRCh37 (hg19) VCF-style: chr1-115218544-G-A.
Other names: c.1457C>T, p.Thr486Ile (NM_001172626.2); short protein forms T486I, T490I.
Identifiers: ClinVar variation 1462039 (VCV001462039.6), dbSNP rs1657968687, ClinGen allele CA341747871.
Genomic context (GRCh38, chr1:114,675,923, plus strand): 5'-AGGGTCATGCTTACATGCTTGAGGAAGACACTGAGTTCTGGGTCAGCCTGGGGGTTGATG[G>A]TGGCCTCAAACACTGGCATGAAAATATTCTCCAGCATTTTTCCAAAATGTGGAAGGAAAT-3'
Protein context (NP_000027.3, residues 480-500): ENIFMPVFEA[Thr490Ile]INPQADPELS